The following is an entry in ClinVar:

ClinVar aggregate classification (germline): Benign. Review status: criteria provided, multiple submitters, no conflicts (2 of 4 stars). 3 submissions from 3 submitters: Benign (3). Last evaluated 2021-06-10.

Conditions:
Megalencephalic leukoencephalopathy with subcortical cysts 1 (MLC1). Also called: LEUKOENCEPHALOPATHY WITH SWELLING AND CYSTS; VACUOLATING MEGALENCEPHALIC LEUKOENCEPHALOPATHY WITH SUBCORTICAL CYSTS. Identifiers: Orphanet 2478, MedGen C5779875, MONDO:0024555, OMIM 604004.

Allele frequency attached by ClinVar (database versions not stated): 1000 Genomes Project 0.01338; 1000 Genomes Project 30x 0.01374; gnomAD 0.02023 and 0.02067; ESP Exome Variant Server 0.02124; TOPMed 0.02194; gnomAD exomes 0.02908.

Submissions (3):

Genome-Nilou Lab
Classification: Benign for Megalencephalic leukoencephalopathy with subcortical cysts 1. Last evaluated: 2021-06-10. Review status: criteria provided, single submitter. Criteria: ACMG Guidelines, 2015. Collection method: clinical testing. Allele origin: germline. Affected: no.

Illumina Laboratory Services, Illumina
Classification: Benign for Megalencephalic leukoencephalopathy with subcortical cysts 1. Last evaluated: 2018-01-12. Review status: criteria provided, single submitter. Criteria: ICSL Variant Classification Criteria 13 December 2019. Collection method: clinical testing. Allele origin: germline.
Comment: This variant was observed in the ICSL laboratory as part of a predisposition screen in an ostensibly healthy population. It had not been previously curated by ICSL or reported in the Human Gene Mutation Database (HGMD: prior to June 1st, 2018), and was therefore a candidate for classification through an automated scoring system. Utilizing variant allele frequency, disease prevalence and penetrance estimates, and inheritance mode, an automated score was calculated to assess if this variant is too frequent to cause the disease. Based on the score and internal cut-off values, a variant classified as benign is not then subjected to further curation. The score for this variant resulted in a classification of benign for this disease.

Breakthrough Genomics
Classification: Benign. Review status: criteria provided, single submitter. Criteria: ACMG Guidelines, 2015. Collection method: not provided. Allele origin: germline. Inheritance: Autosomal recessive inheritance. Affected: yes.

NM_015166.4(MLC1):c.*55C>T

Gene: MLC1 (modulator of VRAC current 1; minus strand). Cytogenetic location: 22q13.33.
Variant type: single nucleotide variant.
Coding change: c.*55C>T on transcript NM_015166.4 (MANE Select); 55 bases downstream of the stop codon, C replaced by T.
Molecular consequence: 3 prime UTR variant. On other transcripts: non-coding transcript variant (3), intron variant (2).
Genome position (GRCh38, 1-based): chr22:50,061,528, G>A on the plus strand (C>T on the coding strand, the complement: MLC1 is on the minus strand). VCF-style: chr22-50061528-G-A. GRCh37 (hg19) VCF-style: chr22-50499957-G-A.
Other names: c.*55C>T (NM_001376472.1, NM_001376473.1, NM_001376474.1 and 9 more transcripts); c.*45+10C>T (NM_001376478.1, NM_001376477.1).
Identifiers: ClinVar variation 901917 (VCV000901917.8), dbSNP rs41283496, ClinGen allele CA325479463.